The following is an entry in ClinVar:

ClinVar aggregate classification (germline): Uncertain significance. Review status: criteria provided, multiple submitters, no conflicts (2 of 4 stars). 2 submissions from 2 submitters: Uncertain significance (2). Last evaluated 2024-05-16.

Conditions:
DICER1-related tumor predisposition. Also called: DICER1 syndrome; DICER1-related pleuropulmonary blastoma cancer predisposition syndrome. Identifiers: Orphanet 284343, MedGen C3839822, MONDO:0100216.
Hereditary cancer-predisposing syndrome. Also called: Tumor predisposition; Hereditary neoplastic syndrome; Neoplastic Syndromes, Hereditary; Hereditary Cancer Syndrome. Identifiers: Orphanet 140162, MedGen C0027672, MeSH D009386, MONDO:0015356.

Submissions (2):

Ambry Genetics
Classification: Uncertain significance for Hereditary cancer-predisposing syndrome. Last evaluated: 2024-05-16. Review status: criteria provided, single submitter. Criteria: Ambry Variant Classification Scheme 2023. Collection method: clinical testing. Allele origin: germline.
Comment: The p.P817H variant (also known as c.2450C>A), located in coding exon 15 of the DICER1 gene, results from a C to A substitution at nucleotide position 2450. The proline at codon 817 is replaced by histidine, an amino acid with similar properties. This amino acid position is highly conserved in available vertebrate species. In addition, this alteration is predicted to be deleterious by in silico analysis. Based on the available evidence, the clinical significance of this variant remains unclear.

Labcorp Genetics (formerly Invitae), Labcorp
Classification: Uncertain significance for DICER1-related tumor predisposition. Last evaluated: 2021-10-02. Review status: criteria provided, single submitter. Criteria: Invitae Variant Classification Sherloc (09022015). Collection method: clinical testing. Allele origin: germline.
Comment: In summary, the available evidence is currently insufficient to determine the role of this variant in disease. Therefore, it has been classified as a Variant of Uncertain Significance. Algorithms developed to predict the effect of missense changes on protein structure and function are either unavailable or do not agree on the potential impact of this missense change (SIFT: "Deleterious"; PolyPhen-2: "Probably Damaging"; Align-GVGD: "Class C15"). This variant has not been reported in the literature in individuals affected with DICER1-related conditions. This variant is not present in population databases (ExAC no frequency). This sequence change replaces proline with histidine at codon 817 of the DICER1 protein (p.Pro817His). The proline residue is highly conserved and there is a moderate physicochemical difference between proline and histidine.

NM_177438.3(DICER1):c.2450C>A (p.Pro817His)

Gene: DICER1 (dicer 1, ribonuclease III; minus strand). Cytogenetic location: 14q32.13.
Variant type: single nucleotide variant.
Coding change: c.2450C>A on transcript NM_177438.3 (MANE Select); coding-DNA position 2450, C replaced by A.
Protein change: p.Pro817His; replaces proline 817 with histidine.
Molecular consequence: missense variant.
Genome position (GRCh38, 1-based): chr14:95,108,080, G>T on the plus strand (C>A on the coding strand, the complement: DICER1 is on the minus strand). VCF-style: chr14-95108080-G-T. GRCh37 (hg19) VCF-style: chr14-95574417-G-T.
Other names: c.2450C>A (NM_177438.2); c.2450C>A, p.Pro817His (NM_001195573.1, NM_001271282.3, NM_001291628.2 and 1 more transcripts); short protein forms P817H.
Identifiers: ClinVar variation 1384066 (VCV001384066.9), dbSNP rs2140026589, ClinGen allele CA390882004.
Genomic context (GRCh38, chr14:95,108,080, plus strand): 5'-ATGAAACCAGACTTCTTCAACTCAATGGATATGGTAACCTCTCCAGAGCGTGTGTACACA[G>T]GAAAGTGTGGAATCTTAGCAAAAGGAAATGTAAAGCACCCCTCAAAATTAACAGGTATTT-3'
Protein context (NP_803187.1, residues 807-827): AKPIPQIPHF[Pro817His]VYTRSGEVTI